The following is an entry in ClinVar:

ClinVar aggregate classification (germline): Likely benign. Review status: criteria provided, single submitter (1 of 4 stars). 2 submissions from 2 submitters: Likely benign (1). 1 of the submissions does not count toward it. Last evaluated 2021-11-15.

Conditions:
HDAC8-related disorder. Also called: HDAC8-related condition.
Cornelia de Lange syndrome 5 (CDLS5). Also called: HDAC8-Related Cornelia de Lange Syndrome. Identifiers: Orphanet 199, MedGen C3550903, MONDO:0010471, OMIM 300882.

Submissions (2):

Labcorp Genetics (formerly Invitae), Labcorp
Classification: Likely benign for Cornelia de Lange syndrome 5. Last evaluated: 2021-11-15. Review status: criteria provided, single submitter. Criteria: Invitae Variant Classification Sherloc (09022015). Collection method: clinical testing. Allele origin: germline.

PreventionGenetics, part of Exact Sciences
Classification: Likely benign for HDAC8-related condition. Last evaluated: 2021-12-02. Review status: no assertion criteria provided. Collection method: clinical testing. Allele origin: germline. Not counted in ClinVar's aggregate classification.
Comment: This variant is classified as likely benign based on ACMG/AMP sequence variant interpretation guidelines (Richards et al. 2015 PMID: 25741868, with internal and published modifications).

NM_018486.3(HDAC8):c.111+7G>A

Gene: HDAC8 (histone deacetylase 8; minus strand). Cytogenetic location: Xq13.1.
Variant type: single nucleotide variant.
Coding change: c.111+7G>A on transcript NM_018486.3 (MANE Select); 7 bases into the intron after coding-DNA position 111, G replaced by A.
Molecular consequence: intron variant.
Genome position (GRCh38, 1-based): chrX:72,572,644, C>T on the plus strand (G>A on the coding strand, the complement: HDAC8 is on the minus strand). VCF-style: chrX-72572644-C-T. GRCh37 (hg19) VCF-style: chrX-71792494-C-T.
Other names: c.111+7G>A (NM_001166418.2, NM_001166448.2, NM_001166419.2 and 3 more transcripts).
Identifiers: ClinVar variation 1672829 (VCV001672829.10), dbSNP rs2147618283, ClinGen allele CA2573159623.